The following is an entry in ClinVar:

ClinVar aggregate classification (germline): Uncertain significance (1 of 4 stars; one submission).

Submission:

Labcorp Genetics (formerly Invitae), Labcorp
Classification: Uncertain significance. Last evaluated: 2023-03-31. Review status: criteria provided, single submitter. Criteria: Invitae Variant Classification Sherloc (09022015). Collection method: clinical testing. Allele origin: germline.
Comment: In summary, the available evidence is currently insufficient to determine the role of this variant in disease. Therefore, it has been classified as a Variant of Uncertain Significance. Experimental studies have shown that this missense change affects GNAS function (PMID: 35197096). Advanced modeling of protein sequence and biophysical properties (such as structural, functional, and spatial information, amino acid conservation, physicochemical variation, residue mobility, and thermodynamic stability) performed at Invitae indicates that this missense variant is not expected to disrupt GNAS protein function. ClinVar contains an entry for this variant (Variation ID: 1721499). This missense change has been observed in individual(s) with clinical features of McCune-Albright syndrome (PMID: 35197096). This variant is not present in population databases (gnomAD no frequency). This sequence change replaces isoleucine, which is neutral and non-polar, with phenylalanine, which is neutral and non-polar, at codon 56 of the GNAS protein (p.Ile56Phe).

Literature cited by the submitters: PubMed 35197096.

NM_000516.7(GNAS):c.166A>T (p.Ile56Phe)

Gene: GNAS (GNAS complex locus; plus strand). Cytogenetic location: 20q13.32.
Variant type: single nucleotide variant.
Coding change: c.166A>T on transcript NM_000516.7 (MANE Select); coding-DNA position 166, A replaced by T.
Protein change: p.Ile56Phe; replaces isoleucine 56 with phenylalanine.
Molecular consequence: missense variant. On other transcripts: 3 prime UTR variant (3), 5 prime UTR variant (2), non-coding transcript variant (2).
Genome position (GRCh38, 1-based): chr20:58,895,638, A>T. VCF-style: chr20-58895638-A-T. GRCh37 (hg19) VCF-style: chr20-57470693-A-T.
Other names: c.166A>T, p.Ile56Phe (NM_001077488.5, NM_001077489.4, NM_001309842.2 and 1 more transcripts); c.*27A>T (NM_001077490.3); c.-12A>T (NM_001309840.2, NM_001309861.2); c.*185A>T (NM_001309883.1); c.70A>T, p.Ile24Phe (NM_001410912.1); c.2095A>T, p.Ile699Phe (NM_001410913.1, NM_080425.4); c.*69A>T (NM_016592.5); short protein forms I24F, I56F, I699F.
Identifiers: ClinVar variation 1721499 (VCV001721499.5), dbSNP rs2516902735, ClinGen allele CA409449630.